The following is an entry in ClinVar:

ClinVar aggregate classification (germline): Conflicting classifications of pathogenicity. Review status: criteria provided, conflicting classifications (1 of 4 stars). 6 submissions from 6 submitters: Uncertain significance (1); Benign (1); Likely benign (4). Last evaluated 2025-10-10.

Conditions:
Hereditary nonpolyposis colorectal neoplasms. Identifiers: MedGen C0009405, MeSH D003123.
Hereditary cancer-predisposing syndrome. Also called: Tumor predisposition; Neoplastic Syndromes, Hereditary; Hereditary neoplastic syndrome; Hereditary Cancer Syndrome. Identifiers: Orphanet 140162, MedGen C0027672, MeSH D009386, MONDO:0015356.
Lynch syndrome 5 (LYNCH5). Also called: Colorectal cancer, hereditary nonpolyposis, type 5; Hereditary non-polyposis colorectal cancer, type 5. Identifiers: Orphanet 144, MedGen C1833477, MONDO:0013710, OMIM 614350. Disease mechanism: loss of function.

Allele frequency attached by ClinVar (database versions not stated): gnomAD exomes 0.00001.
gnomAD v4.1: 12 of 1,610,770 alleles (0.00074%); highest among the groups gnomAD compares: Non-Finnish European, 0.00093%; no homozygotes.

Submissions (6):

Women's Health and Genetics/Laboratory Corporation of America, LabCorp
Classification: Likely benign. Last evaluated: 2025-10-10. Review status: criteria provided, single submitter. Criteria: LabCorp Variant Classification Summary - May 2015. Collection method: clinical testing. Allele origin: germline.

Color Diagnostics, LLC DBA Color Health
Classification: Likely benign for Hereditary cancer-predisposing syndrome. Last evaluated: 2025-06-30. Review status: criteria provided, single submitter. Criteria: ACMG Guidelines, 2015. Collection method: clinical testing. Allele origin: germline.

Myriad Genetics, Inc.
Classification: Benign for Lynch syndrome 5. Last evaluated: 2024-12-17. Review status: criteria provided, single submitter. Criteria: Myriad Autosomal Dominant, Autosomal Recessive and X-Linked Classification Criteria (2023). Collection method: clinical testing. Allele origin: unknown.
Comment: This variant is considered benign. This variant is a silent/synonymous amino acid change and it is not expected to impact splicing.

Labcorp Genetics (formerly Invitae), Labcorp
Classification: Likely benign for Hereditary nonpolyposis colorectal neoplasms. Last evaluated: 2024-06-16. Review status: criteria provided, single submitter. Criteria: Invitae Variant Classification Sherloc (09022015). Collection method: clinical testing. Allele origin: germline.

Quest Diagnostics Nichols Institute San Juan Capistrano
Classification: Uncertain significance. Last evaluated: 2024-05-28. Review status: criteria provided, single submitter. Criteria: Quest Diagnostics criteria. Collection method: clinical testing. Allele origin: unknown.
Comment: The MSH6 c.90A>G (p.Glu30=) synonymous variant has not been reported in individuals with MSH6-related conditions in the published literature. It also has not been reported in large, multi-ethnic general populations (Genome Aggregation Database). Analysis of this variant using software algorithms for the prediction of the effect of nucleotide changes on splicing yielded predictions that this variant does not affect MSH6 mRNA splicing. Based on the available information, we are unable to determine the clinical significance of this variant.

Ambry Genetics
Classification: Likely benign for Hereditary cancer-predisposing syndrome. Last evaluated: 2015-01-02. Review status: criteria provided, single submitter. Criteria: Ambry Variant Classification Scheme 2023. Collection method: clinical testing. Allele origin: germline.

NM_000179.3(MSH6):c.90A>G (p.Glu30=)

Gene: MSH6 (mutS homolog 6; plus strand). Cytogenetic location: 2p16.3.
Variant type: single nucleotide variant.
Coding change: c.90A>G on transcript NM_000179.3 (MANE Select); coding-DNA position 90, A replaced by G.
Protein change: p.Glu30=; no amino-acid change (glutamic acid 30 retained).
Molecular consequence: synonymous variant. On other transcripts: 5 prime UTR variant (1).
Genome position (GRCh38, 1-based): chr2:47,783,323, A>G. VCF-style: chr2-47783323-A-G. GRCh37 (hg19) VCF-style: chr2-48010462-A-G.
Other names: c.90A>G, p.Glu30= (NM_001281492.2); c.-647A>G (NM_001281493.2).
Identifiers: ClinVar variation 416176 (VCV000416176.17), dbSNP rs1060504760, ClinGen allele CA16610911.